The following is an entry in ClinVar:

ClinVar aggregate classification (germline): Uncertain significance (1 of 4 stars; one submission).

gnomAD v4.1: 3 of 1,613,968 alleles (0.00019%); highest among the groups gnomAD compares: South Asian, 0.0022%; no homozygotes.

Submission:

Ambry Genetics
Classification: Uncertain significance. Last evaluated: 2025-01-11. Review status: criteria provided, single submitter. Criteria: Ambry Variant Classification Scheme 2023. Collection method: clinical testing. Allele origin: germline.
Comment: The p.K355R variant (also known as c.1064A>G), located in coding exon 3 of the WNK2 gene, results from an A to G substitution at nucleotide position 1064. The lysine at codon 355 is replaced by arginine, an amino acid with highly similar properties. This amino acid position is conserved. In addition, the in silico prediction for this alteration is inconclusive. Based on the available evidence, the clinical significance of this variant remains unclear.

NM_006648.4(WNK2):c.1064A>G (p.Lys355Arg)

Gene: WNK2 (WNK lysine deficient protein kinase 2; plus strand). Cytogenetic location: 9q22.31.
Variant type: single nucleotide variant.
Coding change: c.1064A>G on transcript NM_006648.4 (MANE Select); coding-DNA position 1064, A replaced by G.
Protein change: p.Lys355Arg; replaces lysine 355 with arginine.
Molecular consequence: missense variant.
Genome position (GRCh38, 1-based): chr9:93,231,097, A>G. VCF-style: chr9-93231097-A-G. GRCh37 (hg19) VCF-style: chr9-95993379-A-G.
Other names: c.1064A>G, p.Lys355Arg (NM_001282394.3); short protein forms K355R.
Identifiers: ClinVar variation 3816810 (VCV003816810.1).